The following is an entry in ClinVar:

NM_001267550.2(TTN):c.53880A>C (p.Glu17960Asp)

Genes: TTN (titin; minus strand), TTN-AS1 (TTN antisense RNA 1; plus strand). Cytogenetic location: 2q31.2.
Variant type: single nucleotide variant.
Coding change: c.53880A>C on transcript NM_001267550.2 (MANE Select); coding-DNA position 53880, A replaced by C.
Protein change: p.Glu17960Asp; replaces glutamic acid 17960 with aspartic acid.
Molecular consequence: missense variant.
Genome position (GRCh38, 1-based): chr2:178,605,415, T>G on the plus strand (A>C on the coding strand, the complement: TTN is on the minus strand). VCF-style: chr2-178605415-T-G. GRCh37 (hg19) VCF-style: chr2-179470142-T-G.
Other names: c.48957A>C, p.Glu16319Asp (NM_001256850.1); c.26685A>C, p.Glu8895Asp (NM_003319.4); c.46176A>C, p.Glu15392Asp (NM_133378.4); c.27060A>C, p.Glu9020Asp (NM_133432.3); c.27261A>C, p.Glu9087Asp (NM_133437.4); short protein forms E17960D, E15392D, E16319D, E9020D, E9087D, E8895D.
Identifiers: ClinVar variation 596822 (VCV000596822.8), dbSNP rs780456423, ClinGen allele CA1993736.

ClinVar aggregate classification (germline): Uncertain significance. Review status: criteria provided, multiple submitters, no conflicts (2 of 4 stars). 3 submissions from 3 submitters: Uncertain significance (3). Last evaluated 2020-03-03.

Conditions:
Cardiovascular phenotype. Identifiers: MedGen CN230736.

Allele frequency attached by ClinVar (database versions not stated): gnomAD exomes below 0.00001; ExAC 0.00001; gnomAD 0.00001; TOPMed 0.00003.
gnomAD v4.1: 4 of 1,582,730 alleles (0.00025%); highest among the groups gnomAD compares: African/African-American, 0.0054%; no homozygotes.

Submissions (3):

Ambry Genetics
Classification: Uncertain significance for Cardiovascular phenotype. Last evaluated: 2020-03-03. Review status: criteria provided, single submitter. Criteria: Ambry Variant Classification Scheme 2023. Collection method: clinical testing. Allele origin: germline.
Comment: The p.E8895D variant (also known as c.26685A>C), located in coding exon 106 of the TTN gene, results from an A to C substitution at nucleotide position 26685. The glutamic acid at codon 8895 is replaced by aspartic acid, an amino acid with highly similar properties. This amino acid position is highly conserved in available vertebrate species. In addition, this alteration is predicted to be tolerated by in silico analysis. Since supporting evidence is limited at this time, the clinical significance of this alteration remains unclear.

Eurofins Ntd Llc (ga)
Classification: Uncertain significance. Last evaluated: 2018-04-13. Review status: criteria provided, single submitter. Criteria: EGL ClinVar v180209 classification definitions. Collection method: clinical testing. Allele origin: germline. Observed: 1 variant allele, 1 heterozygote.

Breakthrough Genomics
Classification: Uncertain significance. Review status: criteria provided, single submitter. Criteria: ACMG Guidelines, 2015. Collection method: not provided. Allele origin: germline. Inheritance: Autosomal recessive inheritance. Affected: yes.